The following is an entry in ClinVar:

NM_203486.3(DLL3):c.866G>T (p.Cys289Phe)

Gene: DLL3 (delta like canonical Notch ligand 3; plus strand). Cytogenetic location: 19q13.2.
Variant type: single nucleotide variant.
Coding change: c.866G>T on transcript NM_203486.3 (MANE Select); coding-DNA position 866, G replaced by T.
Protein change: p.Cys289Phe; replaces cysteine 289 with phenylalanine.
Molecular consequence: missense variant.
Genome position (GRCh38, 1-based): chr19:39,504,284, G>T. VCF-style: chr19-39504284-G-T. GRCh37 (hg19) VCF-style: chr19-39994924-G-T.
Other names: c.866G>T, p.Cys289Phe (NM_016941.4); short protein forms C289F.
Identifiers: ClinVar variation 2108676 (VCV002108676.4), dbSNP rs2514645631, ClinGen allele CA405797853.

ClinVar aggregate classification (germline): Uncertain significance (1 of 4 stars; one submission).

Submission:

Labcorp Genetics (formerly Invitae), Labcorp
Classification: Uncertain significance. Last evaluated: 2022-03-11. Review status: criteria provided, single submitter. Criteria: Invitae Variant Classification Sherloc (09022015). Collection method: clinical testing. Allele origin: germline.
Comment: In summary, the available evidence is currently insufficient to determine the role of this variant in disease. Therefore, it has been classified as a Variant of Uncertain Significance. Algorithms developed to predict the effect of missense changes on protein structure and function are either unavailable or do not agree on the potential impact of this missense change (SIFT: "Deleterious"; PolyPhen-2: "Probably Damaging"; Align-GVGD: "Class C0"). This variant has not been reported in the literature in individuals affected with DLL3-related conditions. This variant is not present in population databases (gnomAD no frequency). This sequence change replaces cysteine, which is neutral and slightly polar, with phenylalanine, which is neutral and non-polar, at codon 289 of the DLL3 protein (p.Cys289Phe).